The following is an entry in ClinVar:

NM_032590.5(KDM2B):c.3178G>A (p.Gly1060Arg)

Gene: KDM2B (lysine demethylase 2B; minus strand). Cytogenetic location: 12q24.31.
Variant type: single nucleotide variant.
Coding change: c.3178G>A on transcript NM_032590.5 (MANE Select); coding-DNA position 3178, G replaced by A.
Protein change: p.Gly1060Arg; replaces glycine 1060 with arginine.
Molecular consequence: missense variant.
Genome position (GRCh38, 1-based): chr12:121,442,263, C>T on the plus strand (G>A on the coding strand, the complement: KDM2B is on the minus strand). VCF-style: chr12-121442263-C-T. GRCh37 (hg19) VCF-style: chr12-121880066-C-T.
Other names: c.2971G>A, p.Gly991Arg (NM_001005366.2); short protein forms G1060R, G991R.
Identifiers: ClinVar variation 3368186 (VCV003368186.2).

ClinVar aggregate classification (germline): Uncertain significance (1 of 4 stars; one submission).

Submission:

GeneDx
Classification: Uncertain significance. Last evaluated: 2025-01-30. Review status: criteria provided, single submitter. Criteria: GeneDx Variant Classification Process June 2021. Collection method: clinical testing. Allele origin: germline.
Comment: Not observed at significant frequency in large population cohorts (gnomAD); In silico analysis supports that this missense variant has a deleterious effect on protein structure/function; Has not been previously published as pathogenic or benign to our knowledge